The following is an entry in ClinVar:

NM_001029883.3(PCARE):c.2502T>C (p.Pro834=)

Gene: PCARE (photoreceptor cilium actin regulator; minus strand). Cytogenetic location: 2p23.2.
Variant type: single nucleotide variant.
Coding change: c.2502T>C on transcript NM_001029883.3 (MANE Select); coding-DNA position 2502, T replaced by C.
Protein change: p.Pro834=; no amino-acid change (proline 834 retained).
Molecular consequence: synonymous variant.
Genome position (GRCh38, 1-based): chr2:29,071,760, A>G on the plus strand (T>C on the coding strand, the complement: PCARE is on the minus strand). VCF-style: chr2-29071760-A-G. GRCh37 (hg19) VCF-style: chr2-29294626-A-G.
Identifiers: ClinVar variation 714938 (VCV000714938.36), dbSNP rs184644658, ClinGen allele CA1592189.
Genomic context (GRCh38, chr2:29,071,760, plus strand): 5'-GGACTTGCTGCTTTCTGGGGACTCCAGAGAAGCGAATGATTTGTCCATCAGAACTTCCAT[A>G]GGCGGTGGAGGGAGGTGCTCGAGGTTCCCCTCCATTTCACAGCTGAGCTCCTCACTCTTG-3'
Protein context (NP_001025054.1, residues 824-844): EGNLEHLPPP[Pro834=]MEVLMDKSFA

ClinVar aggregate classification (germline): Conflicting classifications of pathogenicity. Review status: criteria provided, conflicting classifications (1 of 4 stars). 5 submissions from 5 submitters: Uncertain significance (1); Benign (3). 1 of the submissions does not count toward it. Last evaluated 2026-09-01.

Conditions:
Retinitis pigmentosa (RP). Identifiers: Orphanet 791, MedGen C0035334, MeSH D012174, MONDO:0019200, OMIM 268000. Inheritance: Autosomal dominant, autosomal recessive and X linked inheritance.
Optic atrophy. Identifiers: MedGen C0029124, MONDO:0003608, HP:0000648.
Retinal dystrophy. Also called: Inherited retinal dystrophy. Identifiers: Orphanet 71862, MedGen C0854723, MeSH D058499, MONDO:0019118, HP:0000556.

Allele frequency attached by ClinVar (database versions not stated): gnomAD 0.00106 and 0.00151; TOPMed 0.00125; ESP Exome Variant Server 0.00156; gnomAD exomes 0.00183 and 0.00302; 1000 Genomes Project 30x 0.00297; ExAC 0.00339; 1000 Genomes Project 0.00359.
gnomAD v4.1: 2,942 of 1,613,456 alleles (0.18%); highest among the groups gnomAD compares: Middle Eastern, 2.2%; 18 homozygotes.

Submissions (5):

CeGaT Center for Human Genetics Tuebingen
Classification: Benign. Last evaluated: 2026-09-01. Review status: criteria provided, single submitter. Criteria: CeGaT Center For Human Genetics Tuebingen Variant Classification Criteria Version 2. Collection method: clinical testing. Allele origin: germline. Affected: yes. Observed: 3 variant alleles.
Comment: PCARE: BP4, BP7, BS1, BS2

Labcorp Genetics (formerly Invitae), Labcorp
Classification: Benign. Last evaluated: 2026-01-12. Review status: criteria provided, single submitter. Criteria: Invitae Variant Classification Sherloc (09022015). Collection method: clinical testing. Allele origin: germline.

Dept Of Ophthalmology, Nagoya University
Classification: Benign for Retinal dystrophy. Last evaluated: 2023-10-01. Review status: criteria provided, single submitter. Criteria: Submitter's publication. Collection method: research. Allele origin: germline. Affected: yes.

Illumina Laboratory Services, Illumina
Classification: Uncertain significance for Retinitis pigmentosa. Last evaluated: 2018-01-12. Review status: criteria provided, single submitter. Criteria: ICSL Variant Classification Criteria 13 December 2019. Collection method: clinical testing. Allele origin: germline.

Institute of Human Genetics, Univ. Regensburg, Univ. Regensburg
Classification: Uncertain significance for Optic atrophy. Last evaluated: 2023-01-01. Review status: no assertion criteria provided. Criteria: ACMG Guidelines, 2015. Collection method: clinical testing. Allele origin: germline. Affected: yes. Not counted in ClinVar's aggregate classification.